The following is an entry in ClinVar:

NM_000384.3(APOB):c.8301T>C (p.Pro2767=)

Gene: APOB (apolipoprotein B; minus strand). Cytogenetic location: 2p24.1.
Variant type: single nucleotide variant.
Coding change: c.8301T>C on transcript NM_000384.3 (MANE Select); coding-DNA position 8301, T replaced by C.
Protein change: p.Pro2767=; no amino-acid change (proline 2767 retained).
Molecular consequence: synonymous variant.
Genome position (GRCh38, 1-based): chr2:21,008,567, A>G on the plus strand (T>C on the coding strand, the complement: APOB is on the minus strand). VCF-style: chr2-21008567-A-G. GRCh37 (hg19) VCF-style: chr2-21231439-A-G.
Identifiers: ClinVar variation 700126 (VCV000700126.16), dbSNP rs774150215, ClinGen allele CA065508.

ClinVar aggregate classification (germline): Likely benign. Review status: criteria provided, multiple submitters, no conflicts (2 of 4 stars). 3 submissions from 3 submitters: Likely benign (3). Last evaluated 2026-07-01.

Conditions:
Cardiovascular phenotype. Identifiers: MedGen CN230736.
Familial hypobetalipoproteinemia 1. Also called: Hypobetalipoproteinemia, normotriglyceridemic; Acanthocytosis with hypobetalipoproteinemia; APOB-Related Familial Hypobetalipoproteinemia. Identifiers: MedGen C4551990, MONDO:0014252, OMIM 615558.
Hypercholesterolemia, autosomal dominant, type B (FHCL2). Also called: HYPERCHOLESTEROLEMIA, FAMILIAL, DUE TO LIGAND-DEFECTIVE APOLIPOPROTEIN B; APOB-Related Familial Hypercholesterolemia, Autosomal Dominant; APOLIPOPROTEIN B-100, FAMILIAL LIGAND-DEFECTIVE; APOLIPOPROTEIN B-100, FAMILIAL DEFECTIVE; Familial Hypercholesterolemia Type B; Hyperlipoproteinemia Type IIb. Identifiers: MedGen C1704417, MONDO:0007751, OMIM 144010.

Allele frequency attached by ClinVar (database versions not stated): gnomAD exomes 0.00002 and 0.00004; ExAC 0.00003; TOPMed 0.00003.
gnomAD v4.1: 14 of 1,614,108 alleles (0.00087%); highest among the groups gnomAD compares: Admixed American, 0.018%; no homozygotes.

Submissions (3):

CeGaT Center for Human Genetics Tuebingen
Classification: Likely benign. Last evaluated: 2026-07-01. Review status: criteria provided, single submitter. Criteria: CeGaT Center For Human Genetics Tuebingen Variant Classification Criteria Version 2. Collection method: clinical testing. Allele origin: germline. Affected: yes. Observed: 1 variant allele.
Comment: APOB: BP4, BP7

Labcorp Genetics (formerly Invitae), Labcorp
Classification: Likely benign for Familial hypobetalipoproteinemia 1; Hypercholesterolemia, autosomal dominant, type B. Last evaluated: 2025-08-05. Review status: criteria provided, single submitter. Criteria: Invitae Variant Classification Sherloc (09022015). Collection method: clinical testing. Allele origin: germline.

Ambry Genetics
Classification: Likely benign for Cardiovascular phenotype. Last evaluated: 2022-05-02. Review status: criteria provided, single submitter. Criteria: Ambry Variant Classification Scheme 2023. Collection method: clinical testing. Allele origin: germline.